The following is an entry in ClinVar:

NM_194248.3(OTOF):c.1105C>A (p.Leu369Met)

Gene: OTOF (otoferlin; minus strand). Cytogenetic location: 2p23.3.
Variant type: single nucleotide variant.
Coding change: c.1105C>A on transcript NM_194248.3 (MANE Select); coding-DNA position 1105, C replaced by A.
Protein change: p.Leu369Met; replaces leucine 369 with methionine.
Molecular consequence: missense variant.
Genome position (GRCh38, 1-based): chr2:26,484,574, G>T on the plus strand (C>A on the coding strand, the complement: OTOF is on the minus strand). VCF-style: chr2-26484574-G-T. GRCh37 (hg19) VCF-style: chr2-26707442-G-T.
Other names: c.1105C>A, p.Leu369Met (NM_001287489.2); short protein forms L369M.
Identifiers: ClinVar variation 2893147 (VCV002893147.4), dbSNP rs377328873, ClinGen allele CA44403124.
Genomic context (GRCh38, chr2:26,484,574, plus strand): 5'-GCGTCTTGATGTTGTCCCCTTTGCCCACCACGGCAACGTCACACTTCACGTAGCCCTTCA[G>T]CCCCGAGGAGATGTCATCGGGGTCAGACAGGATGGCCCACTTGTGATGGAACTGGTGCTC-3'
Protein context (NP_919224.1, residues 359-379): LSDPDDISSG[Leu369Met]KGYVKCDVAV

ClinVar aggregate classification (germline): Conflicting classifications of pathogenicity. Review status: criteria provided, conflicting classifications (1 of 4 stars). 2 submissions from 2 submitters: Uncertain significance (1); Likely benign (1). Last evaluated 2025-05-12.

Allele frequency attached by ClinVar (database versions not stated): gnomAD exomes 0.00001; TOPMed 0.00009; gnomAD 0.00007; ESP Exome Variant Server 0.00008.
gnomAD v4.1: 30 of 1,613,798 alleles (0.0019%); highest among the groups gnomAD compares: African/African-American, 0.036%; no homozygotes.

Submissions (2):

Labcorp Genetics (formerly Invitae), Labcorp
Classification: Likely benign. Last evaluated: 2025-05-12. Review status: criteria provided, single submitter. Criteria: Invitae Variant Classification Sherloc (09022015). Collection method: clinical testing. Allele origin: germline.

GeneDx
Classification: Uncertain significance. Last evaluated: 2024-12-31. Review status: criteria provided, single submitter. Criteria: GeneDx Variant Classification Process June 2021. Collection method: clinical testing. Allele origin: germline. Affected: yes.
Comment: In silico analysis indicates that this missense variant does not alter protein structure/function; Has not been previously published as pathogenic or benign to our knowledge